The following is an entry in ClinVar:

NM_001112741.2(KCNC1):c.423C>G (p.Asp141Glu)

Gene: KCNC1 (potassium voltage-gated channel subfamily C member 1; plus strand). Cytogenetic location: 11p15.1.
Variant type: single nucleotide variant.
Coding change: c.423C>G on transcript NM_001112741.2 (MANE Select); coding-DNA position 423, C replaced by G.
Protein change: p.Asp141Glu; replaces aspartic acid 141 with glutamic acid.
Molecular consequence: missense variant.
Genome position (GRCh38, 1-based): chr11:17,736,425, C>G. VCF-style: chr11-17736425-C-G. GRCh37 (hg19) VCF-style: chr11-17757972-C-G.
Other names: c.423C>G, p.Asp141Glu (NM_004976.4); short protein forms D141E.
Identifiers: ClinVar variation 1909050 (VCV001909050.5), dbSNP rs977947782, ClinGen allele CA218496828.

ClinVar aggregate classification (germline): Uncertain significance (1 of 4 stars; one submission).

Conditions:
Progressive myoclonic epilepsy type 7. Identifiers: Orphanet 435438, MedGen C4015420, MONDO:0014521, OMIM 616187.

Allele frequency attached by ClinVar (database versions not stated): gnomAD 0.00001.
gnomAD v4.1: 4 of 1,607,820 alleles (0.00025%); highest among the groups gnomAD compares: African/African-American, 0.0053%; no homozygotes.

Submission:

Labcorp Genetics (formerly Invitae), Labcorp
Classification: Uncertain significance for Progressive myoclonic epilepsy type 7. Last evaluated: 2025-02-17. Review status: criteria provided, single submitter. Criteria: Invitae Variant Classification Sherloc (09022015). Collection method: clinical testing. Allele origin: germline.
Comment: This sequence change replaces aspartic acid, which is acidic and polar, with glutamic acid, which is acidic and polar, at codon 141 of the KCNC1 protein (p.Asp141Glu). This variant is not present in population databases (gnomAD no frequency). This variant has not been reported in the literature in individuals affected with KCNC1-related conditions. ClinVar contains an entry for this variant (Variation ID: 1909050). Invitae Evidence Modeling of protein sequence and biophysical properties (such as structural, functional, and spatial information, amino acid conservation, physicochemical variation, residue mobility, and thermodynamic stability) indicates that this missense variant is not expected to disrupt KCNC1 protein function with a negative predictive value of 95%. In summary, the available evidence is currently insufficient to determine the role of this variant in disease. Therefore, it has been classified as a Variant of Uncertain Significance.